The following is an entry in ClinVar:

NM_006389.5(HYOU1):c.1820G>A (p.Ser607Asn)

Gene: HYOU1 (hypoxia up-regulated 1; minus strand). Cytogenetic location: 11q23.3.
Variant type: single nucleotide variant.
Coding change: c.1820G>A on transcript NM_006389.5 (MANE Select); coding-DNA position 1820, G replaced by A.
Protein change: p.Ser607Asn; replaces serine 607 with asparagine.
Molecular consequence: missense variant.
Genome position (GRCh38, 1-based): chr11:119,049,190, C>T on the plus strand (G>A on the coding strand, the complement: HYOU1 is on the minus strand). VCF-style: chr11-119049190-C-T. GRCh37 (hg19) VCF-style: chr11-118919902-C-T.
Other names: c.1820G>A, p.Ser607Asn (NM_001130991.3, NM_001411041.1); short protein forms S607N.
Identifiers: ClinVar variation 3859183 (VCV003859183.2).
Genomic context (GRCh38, chr11:119,049,190, plus strand): 5'-TCAGCTTCCTCCTTGAGCTCCACCTGCTCCCCAGGCTCGTCCTTGCTCCCCTCTGCAGGG[C>T]TCTCCTCTTCCTCCTGGGAAACACCACAGGCGCCCCAGGGAACGATCAGGAGCAGAGCCT-3'
Protein context (NP_006380.1, residues 597-617): GTDTVQEEEE[Ser607Asn]PAEGSKDEPG

ClinVar aggregate classification (germline): Uncertain significance. Review status: criteria provided, multiple submitters, no conflicts (2 of 4 stars). 2 submissions from 2 submitters: Uncertain significance (2). Last evaluated 2025-03-16.

Submissions (2):

Labcorp Genetics (formerly Invitae), Labcorp
Classification: Uncertain significance. Last evaluated: 2025-03-16. Review status: criteria provided, single submitter. Criteria: Invitae Variant Classification Sherloc (09022015). Collection method: clinical testing. Allele origin: germline.
Comment: This sequence change replaces serine, which is neutral and polar, with asparagine, which is neutral and polar, at codon 607 of the HYOU1 protein (p.Ser607Asn). This variant is not present in population databases (gnomAD no frequency). This variant has not been reported in the literature in individuals affected with HYOU1-related conditions. An algorithm developed to predict the effect of missense changes on protein structure and function outputs the following: PolyPhen-2: "Benign". The asparagine amino acid residue is found in multiple mammalian species, which suggests that this missense change does not adversely affect protein function. In summary, the available evidence is currently insufficient to determine the role of this variant in disease. Therefore, it has been classified as a Variant of Uncertain Significance.

Ambry Genetics
Classification: Uncertain significance. Last evaluated: 2024-12-24. Review status: criteria provided, single submitter. Criteria: Ambry Variant Classification Scheme 2023. Collection method: clinical testing. Allele origin: germline.